The following is an entry in ClinVar:

ClinVar aggregate classification (germline): Uncertain significance. Review status: criteria provided, multiple submitters, no conflicts (2 of 4 stars). 2 submissions from 2 submitters: Uncertain significance (2). Last evaluated 2025-06-20.

Conditions:
Hereditary cancer-predisposing syndrome. Also called: Tumor predisposition; Hereditary neoplastic syndrome; Neoplastic Syndromes, Hereditary; Hereditary Cancer Syndrome. Identifiers: Orphanet 140162, MedGen C0027672, MeSH D009386, MONDO:0015356.
Parathyroid carcinoma (PRTC). Also called: Parathyroid gland carcinoma; CDC73-Related Parathyroid Carcinoma. Identifiers: Orphanet 143, MedGen C0687150, MONDO:0012004, OMIM 608266, HP:0006780.

Allele frequency attached by ClinVar (database versions not stated): TOPMed below 0.00001.

Submissions (2):

Ambry Genetics
Classification: Uncertain significance for Hereditary cancer-predisposing syndrome. Last evaluated: 2025-06-20. Review status: criteria provided, single submitter. Criteria: Ambry Variant Classification Scheme 2023. Collection method: clinical testing. Allele origin: germline.
Comment: The p.S322C variant (also known as c.965C>G), located in coding exon 10 of the CDC73 gene, results from a C to G substitution at nucleotide position 965. The serine at codon 322 is replaced by cysteine, an amino acid with dissimilar properties. This amino acid position is conserved. In addition, the in silico prediction for this alteration is inconclusive. Based on the available evidence, the clinical significance of this variant remains unclear.

Labcorp Genetics (formerly Invitae), Labcorp
Classification: Uncertain significance for Parathyroid carcinoma. Last evaluated: 2019-05-30. Review status: criteria provided, single submitter. Criteria: Invitae Variant Classification Sherloc (09022015). Collection method: clinical testing. Allele origin: germline.
Comment: Algorithms developed to predict the effect of missense changes on protein structure and function are either unavailable or do not agree on the potential impact of this missense change (SIFT: "Deleterious"; PolyPhen-2: "Probably Damaging"; Align-GVGD: "Class C15"). In summary, the available evidence is currently insufficient to determine the role of this variant in disease. Therefore, it has been classified as a Variant of Uncertain Significance. This variant has not been reported in the literature in individuals with CDC73-related conditions. This variant is not present in population databases (ExAC no frequency). This sequence change replaces serine with cysteine at codon 322 of the CDC73 protein (p.Ser322Cys). The serine residue is highly conserved and there is a moderate physicochemical difference between serine and cysteine.

NM_024529.5(CDC73):c.965C>G (p.Ser322Cys)

Gene: CDC73 (cell division cycle 73; plus strand). Cytogenetic location: 1q31.2.
Variant type: single nucleotide variant.
Coding change: c.965C>G on transcript NM_024529.5 (MANE Select); coding-DNA position 965, C replaced by G.
Protein change: p.Ser322Cys; replaces serine 322 with cysteine.
Molecular consequence: missense variant.
Genome position (GRCh38, 1-based): chr1:193,152,437, C>G. VCF-style: chr1-193152437-C-G. GRCh37 (hg19) VCF-style: chr1-193121567-C-G.
Other names: short protein forms S322C.
Identifiers: ClinVar variation 860299 (VCV000860299.11), dbSNP rs1676130837, ClinGen allele CA343965972.